The following is an entry in ClinVar:

ClinVar aggregate classification (germline): Pathogenic (1 of 4 stars; one submission).

Submission:

Labcorp Genetics (formerly Invitae), Labcorp
Classification: Pathogenic. Last evaluated: 2023-08-29. Review status: criteria provided, single submitter. Criteria: Invitae Variant Classification Sherloc (09022015). Collection method: clinical testing. Allele origin: germline.
Comment: For these reasons, this variant has been classified as Pathogenic. This variant has not been reported in the literature in individuals affected with FRAS1-related conditions. This variant is not present in population databases (gnomAD no frequency). This sequence change creates a premature translational stop signal (p.Gln1347Argfs*36) in the FRAS1 gene. It is expected to result in an absent or disrupted protein product. Loss-of-function variants in FRAS1 are known to be pathogenic (PMID: 12766769, 18671281).

Literature cited by the submitters: PubMed 12766769; PubMed 18671281.

NM_025074.7(FRAS1):c.4038del (p.Gln1347fs)

Gene: FRAS1 (Fraser extracellular matrix complex subunit 1; plus strand). Cytogenetic location: 4q21.21.
Variant type: Deletion.
Coding change: c.4038del on transcript NM_025074.7 (MANE Select); coding-DNA position 4038, one base deleted (G; older notation c.4038delG).
Protein change: p.Gln1347fs; shifts the reading frame from glutamine 1347.
Molecular consequence: frameshift variant.
Genome position (GRCh38, 1-based): chr4:78,400,796, G deleted. VCF-style (leftmost placement, unchanged base first): chr4-78400795-TG-T. GRCh37 (hg19) VCF-style: chr4-79321949-TG-T.
Other names: c.4038del, p.Gln1347fs (NM_001166133.2); short protein forms Q1347fs.
Identifiers: ClinVar variation 2755876 (VCV002755876.3), dbSNP rs2477022034, ClinGen allele CA2697546770.